The following is an entry in ClinVar:

NM_001122681.2(SH3BP2):c.1326C>A (p.Asp442Glu)

Gene: SH3BP2 (SH3 domain binding protein 2; plus strand). Cytogenetic location: 4p16.3.
Variant type: single nucleotide variant.
Coding change: c.1326C>A on transcript NM_001122681.2 (MANE Select); coding-DNA position 1326, C replaced by A.
Protein change: p.Asp442Glu; replaces aspartic acid 442 with glutamic acid.
Molecular consequence: missense variant.
Genome position (GRCh38, 1-based): chr4:2,831,655, C>A. VCF-style: chr4-2831655-C-A. GRCh37 (hg19) VCF-style: chr4-2833382-C-A.
Other names: c.1410C>A, p.Asp470Glu (NM_001145855.2, LRG_1334t2); c.1497C>A, p.Asp499Glu (NM_001145856.2); c.1326C>A, p.Asp442Glu (NM_003023.4, LRG_1334t1); short protein forms D442E, D470E, D499E.
Identifiers: ClinVar variation 454491 (VCV000454491.8), dbSNP rs761864704, ClinGen allele CA356057896.

ClinVar aggregate classification (germline): Uncertain significance (1 of 4 stars; one submission).

Conditions:
Fibrous dysplasia of jaw (CRBM). Also called: Cherubism. Identifiers: Orphanet 184, MedGen C0008029, MONDO:0007315, OMIM 118400.

Submission:

Labcorp Genetics (formerly Invitae), Labcorp
Classification: Uncertain significance for Fibrous dysplasia of jaw. Last evaluated: 2017-06-22. Review status: criteria provided, single submitter. Criteria: Invitae Variant Classification Sherloc (09022015). Collection method: clinical testing. Allele origin: germline.
Comment: In summary, the available evidence is currently insufficient to determine the role of this variant in disease. Therefore, it has been classified as a Variant of Uncertain Significance. Algorithms developed to predict the effect of missense changes on protein structure and function output the following: SIFT: "Tolerated"; PolyPhen-2: "Benign"; Align-GVGD: "Class C0". The glutamic acid amino acid residue is found in multiple mammalian species, suggesting that this missense change does not adversely affect protein function. These predictions have not been confirmed by published functional studies and their clinical significance is uncertain. This variant has not been reported in the literature in individuals with SH3BP2-related disease. This variant is not present in population databases (ExAC no frequency). This sequence change replaces aspartic acid with glutamic acid at codon 442 of the SH3BP2 protein (p.Asp442Glu). The aspartic acid residue is weakly conserved and there is a small physicochemical difference between aspartic acid and glutamic acid.